The following is an entry in ClinVar:

NM_001377.3(DYNC2H1):c.10252C>A (p.Gln3418Lys)

Gene: DYNC2H1 (dynein cytoplasmic 2 heavy chain 1; plus strand). Cytogenetic location: 11q22.3.
Variant type: single nucleotide variant.
Coding change: c.10252C>A on transcript NM_001377.3 (MANE Select); coding-DNA position 10252, C replaced by A.
Protein change: p.Gln3418Lys; replaces glutamine 3418 with lysine.
Molecular consequence: missense variant.
Genome position (GRCh38, 1-based): chr11:103,255,460, C>A. VCF-style: chr11-103255460-C-A. GRCh37 (hg19) VCF-style: chr11-103126189-C-A.
Other names: c.10273C>A, p.Gln3425Lys (NM_001080463.2); c.10273C>A (NM_001080463.1); short protein forms Q3418K, Q3425K.
Identifiers: ClinVar variation 1058100 (VCV001058100.7), dbSNP rs543525711, ClinGen allele CA6254935.

ClinVar aggregate classification (germline): Uncertain significance. Review status: criteria provided, multiple submitters, no conflicts (2 of 4 stars). 2 submissions from 2 submitters: Uncertain significance (2). Last evaluated 2024-09-10.

Conditions:
Jeune thoracic dystrophy. Also called: Jeune syndrome; Infantile thoracic dystrophy; Thoracic pelvic phalangeal dystrophy; Jeune's syndrome; Chondroectodermal dysplasia-like syndrome; Short-rib thoracic dysplasia. Identifiers: Orphanet 474, MedGen C0265275, MONDO:0018770.
Inborn genetic diseases. Identifiers: MedGen C0950123, MeSH D030342.

Allele frequency attached by ClinVar (database versions not stated): TOPMed 0.00009.
gnomAD v4.1: 147 of 1,568,662 alleles (0.0094%); highest among the groups gnomAD compares: Non-Finnish European, 0.012%; no homozygotes.

Submissions (2):

Ambry Genetics
Classification: Uncertain significance for Inborn genetic diseases. Last evaluated: 2024-09-10. Review status: criteria provided, single submitter. Criteria: Ambry Variant Classification Scheme 2023. Collection method: clinical testing. Allele origin: germline.

Labcorp Genetics (formerly Invitae), Labcorp
Classification: Uncertain significance for Jeune thoracic dystrophy. Last evaluated: 2022-03-13. Review status: criteria provided, single submitter. Criteria: Invitae Variant Classification Sherloc (09022015). Collection method: clinical testing. Allele origin: germline.
Comment: This sequence change replaces glutamine, which is neutral and polar, with lysine, which is basic and polar, at codon 3425 of the DYNC2H1 protein (p.Gln3425Lys). This variant is present in population databases (rs543525711, gnomAD 0.02%). This variant has not been reported in the literature in individuals affected with DYNC2H1-related conditions. ClinVar contains an entry for this variant (Variation ID: 1058100). Advanced modeling of protein sequence and biophysical properties (such as structural, functional, and spatial information, amino acid conservation, physicochemical variation, residue mobility, and thermodynamic stability) performed at Invitae indicates that this missense variant is not expected to disrupt DYNC2H1 protein function. In summary, the available evidence is currently insufficient to determine the role of this variant in disease. Therefore, it has been classified as a Variant of Uncertain Significance.